The following is an entry in ClinVar:

NM_001105206.3(LAMA4):c.4199A>G (p.Tyr1400Cys)

Gene: LAMA4 (laminin subunit alpha 4; minus strand). Cytogenetic location: 6q21.
Variant type: single nucleotide variant.
Coding change: c.4199A>G on transcript NM_001105206.3 (MANE Select); coding-DNA position 4199, A replaced by G.
Protein change: p.Tyr1400Cys; replaces tyrosine 1400 with cysteine.
Molecular consequence: missense variant.
Genome position (GRCh38, 1-based): chr6:112,129,010, T>C on the plus strand (A>G on the coding strand, the complement: LAMA4 is on the minus strand). VCF-style: chr6-112129010-T-C. GRCh37 (hg19) VCF-style: chr6-112450212-T-C.
Other names: c.4178A>G, p.Tyr1393Cys (NM_001105207.3, NM_002290.5); short protein forms Y1393C, Y1400C.
Identifiers: ClinVar variation 1416014 (VCV001416014.10), dbSNP rs782041997, ClinGen allele CA3965035.

ClinVar aggregate classification (germline): Uncertain significance. Review status: criteria provided, multiple submitters, no conflicts (2 of 4 stars). 4 submissions from 4 submitters: Uncertain significance (4). Last evaluated 2025-12-29.

Conditions:
Cardiovascular phenotype. Identifiers: MedGen CN230736.
Dilated cardiomyopathy 1JJ (CMD1JJ). Identifiers: Orphanet 154, MedGen C3808935, MONDO:0014095, OMIM 615235.

Allele frequency attached by ClinVar (database versions not stated): gnomAD 0.00007 and 0.00008; ExAC 0.00008; TOPMed 0.00005.

Submissions (4):

Labcorp Genetics (formerly Invitae), Labcorp
Classification: Uncertain significance for Dilated cardiomyopathy 1JJ. Last evaluated: 2025-12-29. Review status: criteria provided, single submitter. Criteria: Invitae Variant Classification Sherloc (09022015). Collection method: clinical testing. Allele origin: germline.
Comment: This sequence change replaces tyrosine, which is neutral and polar, with cysteine, which is neutral and slightly polar, at codon 1393 of the LAMA4 protein (p.Tyr1393Cys). This variant is present in population databases (rs782041997, gnomAD 0.01%). This variant has not been reported in the literature in individuals affected with LAMA4-related conditions. ClinVar contains an entry for this variant (Variation ID: 1416014). Invitae Evidence Modeling of protein sequence and biophysical properties (such as structural, functional, and spatial information, amino acid conservation, physicochemical variation, residue mobility, and thermodynamic stability) indicates that this missense variant is expected to disrupt LAMA4 protein function with a positive predictive value of 80%. In summary, the available evidence is currently insufficient to determine the role of this variant in disease. Therefore, it has been classified as a Variant of Uncertain Significance.

Ambry Genetics
Classification: Uncertain significance for Cardiovascular phenotype. Last evaluated: 2024-09-11. Review status: criteria provided, single submitter. Criteria: Ambry Variant Classification Scheme 2023. Collection method: clinical testing. Allele origin: germline.
Comment: The p.Y1393C variant (also known as c.4178A>G), located in coding exon 30 of the LAMA4 gene, results from an A to G substitution at nucleotide position 4178. The tyrosine at codon 1393 is replaced by cysteine, an amino acid with highly dissimilar properties. This amino acid position is conserved. In addition, this alteration is predicted to be tolerated by in silico analysis. Since supporting evidence is limited at this time, the clinical significance of this alteration remains unclear.

GeneDx
Classification: Uncertain significance. Last evaluated: 2023-06-14. Review status: criteria provided, single submitter. Criteria: GeneDx Variant Classification Process June 2021. Collection method: clinical testing. Allele origin: germline. Affected: yes.
Comment: In silico analysis supports that this missense variant does not alter protein structure/function; In silico analysis suggests this variant may impact gene splicing. In the absence of RNA/functional studies, the actual effect of this sequence change is unknown.; Has not been previously published as pathogenic or benign to our knowledge

Fulgent Genetics
Classification: Uncertain significance for Dilated cardiomyopathy 1JJ. Last evaluated: 2021-08-23. Review status: criteria provided, single submitter. Criteria: ACMG Guidelines, 2015. Collection method: clinical testing. Allele origin: unknown.